The following is an entry in ClinVar:

NM_001130438.3(SPTAN1):c.6843_6848del (p.Ile2282_Leu2283del)

Gene: SPTAN1 (spectrin alpha, non-erythrocytic 1; plus strand). Cytogenetic location: 9q34.11.
Variant type: Deletion.
Coding change: c.6843_6848del on transcript NM_001130438.3 (MANE Select); coding-DNA positions 6843 to 6848, 6 bases deleted (CATCCT; older notation c.6843_6848delCATCCT).
Protein change: p.Ile2282_Leu2283del.
Molecular consequence: inframe deletion.
Genome position (GRCh38, 1-based): chr9:128,632,207-128,632,212, CATCCT deleted; deleting any 6 consecutive bases within chr9:128,632,204-128,632,212 gives the same sequence; the c. name uses the placement nearest the transcript's 3' end. VCF-style (leftmost placement, unchanged base first): chr9-128632203-CCCTCAT-C. GRCh37 (hg19) VCF-style: chr9-131394482-CCCTCAT-C.
Other names: c.6768_6773del, p.Ile2257_Leu2258del (NM_001195532.2); c.6906_6911del, p.Ile2303_Leu2304del (NM_001363759.2); c.6783_6788del, p.Ile2262_Leu2263del (NM_001363765.2); c.6828_6833del, p.Ile2277_Leu2278del (NM_003127.4).
Identifiers: ClinVar variation 648629 (VCV000648629.9), dbSNP rs1589416130, ClinGen allele CA915947578.

ClinVar aggregate classification (germline): Likely pathogenic (1 of 4 stars; one submission).

Conditions:
Early-infantile DEE. Also called: Early infantile epileptic encephalopathy with suppression bursts; Early infantile epileptic encephalopathy; Ohtahara syndrome. Identifiers: Orphanet 1934, MedGen C0393706, MONDO:0800491.

Submission:

Labcorp Genetics (formerly Invitae), Labcorp
Classification: Likely pathogenic for Early-infantile DEE. Last evaluated: 2022-11-22. Review status: criteria provided, single submitter. Criteria: Invitae Variant Classification Sherloc (09022015). Collection method: clinical testing. Allele origin: germline.
Comment: This variant, c.6843_6848del, results in the deletion of 2 amino acid(s) of the SPTAN1 protein (p.Ile2282_Leu2283del), but otherwise preserves the integrity of the reading frame. This variant is not present in population databases (gnomAD no frequency). This variant has been observed in individual(s) with clinical features of early infantile epileptic encephalopathy (Invitae). In at least one individual the variant was observed to be de novo. ClinVar contains an entry for this variant (Variation ID: 648629). Experimental studies and prediction algorithms are not available or were not evaluated, and the functional significance of this variant is currently unknown. In summary, the currently available evidence indicates that the variant is pathogenic, but additional data are needed to prove that conclusively. Therefore, this variant has been classified as Likely Pathogenic.